The following is an entry in ClinVar:

ClinVar aggregate classification (germline): Conflicting classifications of pathogenicity. Review status: criteria provided, conflicting classifications (1 of 4 stars). 3 submissions from 3 submitters: Likely pathogenic (1); Uncertain significance (1). 1 of the submissions does not count toward it. Last evaluated 2025-10-01.

Allele frequency attached by ClinVar (database versions not stated): gnomAD exomes 0.00001; gnomAD 0.00004; TOPMed 0.00006.
gnomAD v4.1: 16 of 1,549,660 alleles (0.001%); highest among the groups gnomAD compares: East Asian, 0.0073%; no homozygotes.

Submissions (3):

CeGaT Center for Human Genetics Tuebingen
Classification: Uncertain significance. Last evaluated: 2025-10-01. Review status: criteria provided, single submitter. Criteria: CeGaT Center For Human Genetics Tuebingen Variant Classification Criteria Version 2. Collection method: clinical testing. Allele origin: germline. Affected: yes. Observed: 1 variant allele.
Comment: MCM9: PM2, PS3:Supporting

GeneDx
Classification: Likely pathogenic. Last evaluated: 2024-07-22. Review status: criteria provided, single submitter. Criteria: GeneDx Variant Classification Process June 2021. Collection method: clinical testing. Allele origin: germline. Affected: yes.
Comment: Published functional studies in mice demonstrate a damaging effect; specifically, mice homozygous for p.(R581H) had reduced testis size, reduced sperm count, and abnormal morphologies leading to infertility in males and females (PMID: 37459509); In silico analysis supports that this missense variant has a deleterious effect on protein structure/function; This variant is associated with the following publications: (PMID: 37459509)

Genetic Services Laboratory, University of Chicago
Classification: Uncertain significance. Last evaluated: 2022-02-15. Review status: no assertion criteria provided. Collection method: clinical testing. Allele origin: germline. Affected: no. Not counted in ClinVar's aggregate classification.
Comment: This sequence change does not appear to have been previously described in individuals with MCM9-related disorders. This sequence change has been described in the gnomAD database in four heterozygous individuals which corresponds to a population frequency of 0.0022% (dbSNP rs1460351219). The p.Arg581His change affects a moderately conserved amino acid residue located in a domain of the MCM9 protein that is not known to be functional. In-silico pathogenicity prediction tools (SIFT, PolyPhen2, Align GVGD, REVEL) provide contradictory results for the p.Arg581His substitution. Due to insufficient evidence and the lack of functional studies, the clinical significance of the p.Arg581His change remains unknown at this time.

NM_017696.3(MCM9):c.1742G>A (p.Arg581His)

Gene: MCM9 (minichromosome maintenance 9 homologous recombination repair factor; minus strand). Cytogenetic location: 6q22.31.
Variant type: single nucleotide variant.
Coding change: c.1742G>A on transcript NM_017696.3 (MANE Select); coding-DNA position 1742, G replaced by A.
Protein change: p.Arg581His; replaces arginine 581 with histidine.
Molecular consequence: missense variant. On other transcripts: non-coding transcript variant (1).
Genome position (GRCh38, 1-based): chr6:118,826,855, C>T on the plus strand (G>A on the coding strand, the complement: MCM9 is on the minus strand). VCF-style: chr6-118826855-C-T. GRCh37 (hg19) VCF-style: chr6-119148018-C-T.
Other names: c.1742G>A, p.Arg581His (NM_001378356.1, NM_001378357.1, NM_001378359.1 and 1 more transcripts); c.1538G>A, p.Arg513His (NM_001378364.1); c.1616G>A, p.Arg539His (NM_001378366.1); c.1544G>A, p.Arg515His (NM_001378367.1); short protein forms R513H, R515H, R539H, R581H.
Identifiers: ClinVar variation 2443173 (VCV002443173.9), dbSNP rs1460351219, ClinGen allele CA365550870.